The following is an entry in ClinVar:

ClinVar aggregate classification (germline): Benign/Likely benign. Review status: criteria provided, multiple submitters, no conflicts (2 of 4 stars). 3 submissions from 3 submitters: Benign (1); Likely benign (2). Last evaluated 2024-06-13.

Conditions:
Hereditary cancer-predisposing syndrome. Also called: Neoplastic Syndromes, Hereditary; Hereditary neoplastic syndrome; Tumor predisposition; Hereditary Cancer Syndrome. Identifiers: Orphanet 140162, MedGen C0027672, MeSH D009386, MONDO:0015356.
Ataxia-telangiectasia syndrome (AT). Also called: Ataxia telangiectasia (A-T); Cerebello-oculocutaneous telangiectasia; Immunodeficiency with ataxia telangiectasia; LOUIS-BAR SYNDROME; AT, COMPLEMENTATION GROUP C; ATAXIA-TELANGIECTASIA, FRESNO VARIANT. Identifiers: Orphanet 100, MedGen C0004135, MONDO:0008840, OMIM 208900.
Familial cancer of breast. Also called: hereditary breast carcinoma; Hereditary breast cancer; BREAST CANCER, FAMILIAL. Identifiers: Orphanet 227535, MedGen C0346153, MONDO:0016419, OMIM 114480. Disease mechanism: loss of function.

Submissions (3):

Myriad Genetics, Inc.
Classification: Benign for Familial cancer of breast. Last evaluated: 2024-06-13. Review status: criteria provided, single submitter. Criteria: Myriad Autosomal Dominant, Autosomal Recessive and X-Linked Classification Criteria (2023). Collection method: clinical testing. Allele origin: unknown.
Comment: This variant is considered benign. This variant is a silent/synonymous amino acid change and it is not expected to impact splicing.

Labcorp Genetics (formerly Invitae), Labcorp
Classification: Likely benign for Ataxia-telangiectasia syndrome. Last evaluated: 2023-08-07. Review status: criteria provided, single submitter. Criteria: Invitae Variant Classification Sherloc (09022015). Collection method: clinical testing. Allele origin: germline.

Ambry Genetics
Classification: Likely benign for Hereditary cancer-predisposing syndrome. Last evaluated: 2021-10-02. Review status: criteria provided, single submitter. Criteria: Ambry Variant Classification Scheme 2023. Collection method: clinical testing. Allele origin: germline.

NM_000051.4(ATM):c.7125T>C (p.Ser2375=)

Genes: ATM (ATM serine/threonine kinase; plus strand), C11orf65 (chromosome 11 open reading frame 65; minus strand). Cytogenetic location: 11q22.3.
Variant type: single nucleotide variant.
Coding change: c.7125T>C on transcript NM_000051.4 (MANE Select); coding-DNA position 7125, T replaced by C.
Protein change: p.Ser2375=; no amino-acid change (serine 2375 retained).
Molecular consequence: synonymous variant. On other transcripts: intron variant (2).
Genome position (GRCh38, 1-based): chr11:108,329,056, T>C. VCF-style: chr11-108329056-T-C. GRCh37 (hg19) VCF-style: chr11-108199783-T-C.
Other names: c.7125T>C, p.Ser2375= (NM_001351834.2); c.641-19985A>G (NM_001330368.2); c.*38+6164A>G (NM_001351110.2).
Identifiers: ClinVar variation 236764 (VCV000236764.15), dbSNP rs878853539, ClinGen allele CA10582847.